The following is an entry in ClinVar:

NM_000264.5(PTCH1):c.2822del (p.Ile941fs)

Gene: PTCH1 (patched 1; minus strand). Cytogenetic location: 9q22.32.
Variant type: Deletion.
Coding change: c.2822del on transcript NM_000264.5 (MANE Select); coding-DNA position 2822, one base deleted (T; older notation c.2822delT).
Protein change: p.Ile941fs; shifts the reading frame from isoleucine 941.
Molecular consequence: frameshift variant. On other transcripts: non-coding transcript variant (1).
Genome position (GRCh38, 1-based): chr9:95,459,665, A deleted on the plus strand (T on the coding strand, the reverse complement: PTCH1 is on the minus strand). VCF-style (leftmost placement, unchanged base first): chr9-95459664-GA-G. GRCh37 (hg19) VCF-style: chr9-98221946-GA-G.
Other names: c.2624del, p.Ile875fs (NM_001083602.3); c.2819del, p.Ile940fs (NM_001083603.3); c.2369del, p.Ile790fs (NM_001083604.3, NM_001083605.3, NM_001083606.3 and 1 more transcripts); c.2666del, p.Ile889fs (NM_001354918.2); short protein forms I889fs, I790fs, I875fs, I941fs, I940fs.
Identifiers: ClinVar variation 1796461 (VCV001796461.2), dbSNP rs2538079030, ClinGen allele CA2580080777.
Genomic context (GRCh38, chr9:95,459,664, plus strand): 5'-CAGCCTTGTTTCAGGCATGTAGTCGGCTTTGTCGTGGACCCATTCTGGTCGGTGTGGCCG[GA>G]TGTTGGCCTGGGAGGCAGCATACGCGACGGGGTCGTTGCTGACCCAAGCCGTCAGGTAGA-3'

ClinVar aggregate classification (germline): Pathogenic (1 of 4 stars; one submission).

Conditions:
Hereditary cancer-predisposing syndrome. Also called: Tumor predisposition; Hereditary Cancer Syndrome; Neoplastic Syndromes, Hereditary; Hereditary neoplastic syndrome. Identifiers: Orphanet 140162, MedGen C0027672, MeSH D009386, MONDO:0015356.

Submission:

Ambry Genetics
Classification: Pathogenic for Hereditary cancer-predisposing syndrome. Last evaluated: 2017-01-13. Review status: criteria provided, single submitter. Criteria: Ambry Variant Classification Scheme 2023. Collection method: clinical testing. Allele origin: germline.
Comment: The c.2822delT pathogenic mutation, located in coding exon 17 of the PTCH1 gene, results from a deletion of one nucleotide at nucleotide position 2822, causing a translational frameshift with a predicted alternate stop codon (p.I941Tfs*21). This alteration is expected to result in loss of function by premature protein truncation or nonsense-mediated mRNA decay. As such, this alteration is interpreted as a disease-causing mutation.